The following is an entry in ClinVar:

NM_145691.4(ATPAF2):c.127C>T (p.Pro43Ser)

Genes: ATPAF2 (ATP synthase mitochondrial F1 complex assembly factor 2; minus strand), LOC130060409 (ATAC-STARR-seq lymphoblastoid active region 11820; plus strand). Cytogenetic location: 17p11.2.
Variant type: single nucleotide variant.
Coding change: c.127C>T on transcript NM_145691.4 (MANE Select); coding-DNA position 127, C replaced by T.
Protein change: p.Pro43Ser; replaces proline 43 with serine.
Molecular consequence: missense variant.
Genome position (GRCh38, 1-based): chr17:18,038,887, G>A on the plus strand (C>T on the coding strand, the complement: ATPAF2 is on the minus strand). VCF-style: chr17-18038887-G-A. GRCh37 (hg19) VCF-style: chr17-17942201-G-A.
Other names: short protein forms P43S.
Identifiers: ClinVar variation 4750680 (VCV004750680.1).
Genomic context (GRCh38, chr17:18,038,887, plus strand): 5'-AGCCCACCTTACCCCAGCTCGGCCCCAACCCAAAAGAACATGTCATGGTCTTACCTGTCG[G>A]CGGGGCGTAAGCCCGGGCTGGAGACGGGATGGTTGGCCCCGGACTCATAGAAGCGCTGGG-3'
Protein context (NP_663729.1, residues 33-53): IPSPARAYAP[Pro43Ser]TERKRFYQNV

ClinVar aggregate classification (germline): Uncertain significance (1 of 4 stars; one submission).

gnomAD v4.1: 8 of 1,614,014 alleles (0.0005%); highest among the groups gnomAD compares: Admixed American, 0.012%; no homozygotes.

Submission:

Labcorp Genetics (formerly Invitae), Labcorp
Classification: Uncertain significance. Last evaluated: 2025-06-14. Review status: criteria provided, single submitter. Criteria: Invitae Variant Classification Sherloc (09022015). Collection method: clinical testing. Allele origin: germline.
Comment: This sequence change replaces proline, which is neutral and non-polar, with serine, which is neutral and polar, at codon 43 of the ATPAF2 protein (p.Pro43Ser). This variant is present in population databases (rs767804954, gnomAD 0.02%). This variant has not been reported in the literature in individuals affected with ATPAF2-related conditions. Invitae Evidence Modeling of protein sequence and biophysical properties (such as structural, functional, and spatial information, amino acid conservation, physicochemical variation, residue mobility, and thermodynamic stability) indicates that this missense variant is not expected to disrupt ATPAF2 protein function with a negative predictive value of 80%. In summary, the available evidence is currently insufficient to determine the role of this variant in disease. Therefore, it has been classified as a Variant of Uncertain Significance.